The following is an entry in ClinVar:

NM_152564.5(VPS13B):c.5593_5614del (p.Ala1865fs)

Gene: VPS13B (vacuolar protein sorting 13 homolog B; plus strand). Cytogenetic location: 8q22.2.
Variant type: Deletion.
Coding change: c.5593_5614del on transcript NM_152564.5 (MANE Select); coding-DNA positions 5593 to 5614, 22 bases deleted (GCATGTATTTCCACGGTGACAG).
Protein change: p.Ala1865fs; shifts the reading frame from alanine 1865.
Molecular consequence: frameshift variant.
Genome position (GRCh38, 1-based): chr8:99,642,183-99,642,204, GCATGTATTTCCACGGTGACAG deleted; deleting any 22 consecutive bases within chr8:99,642,180-99,642,204 gives the same sequence; the c. name uses the placement nearest the transcript's 3' end. VCF-style (leftmost placement, unchanged base first): chr8-99642179-CCAGGCATGTATTTCCACGGTGA-C. GRCh37 (hg19) VCF-style: chr8-100654407-CCAGGCATGTATTTCCACGGTGA-C.
Other names: c.5668_5689del, p.Ala1890fs (NM_017890.5); short protein forms A1865fs, A1890fs.
Identifiers: ClinVar variation 2114015 (VCV002114015.4), dbSNP rs2491207553, ClinGen allele CA2580079167.
Genomic context (GRCh38, chr8:99,642,179, plus strand): 5'-AAAAACAGACAAGAGTTCATTAAATCTCCCAGAAGTTGATTCAGATGTTGCTAAGCCCAA[CCAGGCATGTATTTCCACGGTGA>C]CAGCAGAAGATCTCTTAAGGAGCAGCATTTCTTTTCCTTCAGGGAAAAAAATAGGGGTCC-3'

ClinVar aggregate classification (germline): Pathogenic (1 of 4 stars; one submission).

Conditions:
Cohen syndrome (COH1). Also called: Cutis verticis gyrata, retinitis pigmentosa, and sensorineural deafness; PEPPER SYNDROME. Identifiers: Orphanet 193, MedGen C0265223, MONDO:0008999, OMIM 216550.

Submission:

Labcorp Genetics (formerly Invitae), Labcorp
Classification: Pathogenic for Cohen syndrome. Last evaluated: 2022-03-29. Review status: criteria provided, single submitter. Criteria: Invitae Variant Classification Sherloc (09022015). Collection method: clinical testing. Allele origin: germline.
Comment: For these reasons, this variant has been classified as Pathogenic. This variant has not been reported in the literature in individuals affected with VPS13B-related conditions. This variant is not present in population databases (gnomAD no frequency). This sequence change creates a premature translational stop signal (p.Ala1890Glnfs*5) in the VPS13B gene. It is expected to result in an absent or disrupted protein product. Loss-of-function variants in VPS13B are known to be pathogenic (PMID: 15141358, 16648375, 20461111).

Literature cited by the submitters: PubMed 15141358; PubMed 16648375; PubMed 20461111.